The following is an entry in ClinVar:

NM_025243.4(SLC19A3):c.680G>A (p.Gly227Asp)

Gene: SLC19A3 (solute carrier family 19 member 3; minus strand). Cytogenetic location: 2q36.3.
Variant type: single nucleotide variant.
Coding change: c.680G>A on transcript NM_025243.4 (MANE Select); coding-DNA position 680, G replaced by A.
Protein change: p.Gly227Asp; replaces glycine 227 with aspartic acid.
Molecular consequence: missense variant.
Genome position (GRCh38, 1-based): chr2:227,699,035, C>T on the plus strand (G>A on the coding strand, the complement: SLC19A3 is on the minus strand). VCF-style: chr2-227699035-C-T. GRCh37 (hg19) VCF-style: chr2-228563751-C-T.
Other names: c.680G>A, p.Gly227Asp (NM_001371411.1, NM_001371412.1); c.668G>A, p.Gly223Asp (NM_001371413.1, NM_001371414.1); short protein forms G223D, G227D.
Identifiers: ClinVar variation 844065 (VCV000844065.6), dbSNP rs139464512, ClinGen allele CA2149246.
Genomic context (GRCh38, chr2:227,699,035, plus strand): 5'-CCCTTATTCAGCTTCCCTGAAGTGCTGAGTATTTCTGATGTGGGTTTCTGCTCTTCACAG[C>T]CTGGTGCTTCACCTTCGTGAGTTTCCTCTAATACTGGATTCACGCTTGATGACTTCTTTA-3'
Protein context (NP_079519.1, residues 217-237): LEETHEGEAP[Gly227Asp]CEEQKPTSEI

ClinVar aggregate classification (germline): Uncertain significance. Review status: criteria provided, multiple submitters, no conflicts (2 of 4 stars). 2 submissions from 2 submitters: Uncertain significance (2). Last evaluated 2024-10-17.

Conditions:
SLC19A3-related disorder. Also called: SLC19A3-related condition.
Biotin-responsive basal ganglia disease (BTBGD). Also called: Thiamine metabolism dysfunction syndrome type 2; Thiamine Transporter-2 Deficiency; Thiamine metabolism dysfunction syndrome 2 (biotin- or thiamine-responsive encephalopathy type 2); thiamine-responsive encephalopathy; THIAMINE METABOLISM DYSFUNCTION SYNDROME 2 (BIOTIN- AND THIAMINE-RESPONSIVE TYPE). Identifiers: Orphanet 199348, Orphanet 65284, MedGen C1843807, MONDO:0011841, OMIM 607483.

Allele frequency attached by ClinVar (database versions not stated): gnomAD exomes 0.00001 and 0.00004; ExAC 0.00004; gnomAD 0.00009 and 0.00010; TOPMed 0.00013; ESP Exome Variant Server 0.00031.
gnomAD v4.1: 31 of 1,614,104 alleles (0.0019%); highest among the groups gnomAD compares: African/African-American, 0.039%; no homozygotes.

Submissions (2):

PreventionGenetics, part of Exact Sciences
Classification: Uncertain significance for SLC19A3-related condition. Last evaluated: 2024-10-17. Review status: criteria provided, single submitter. Criteria: ACMG Guidelines, 2015. Collection method: clinical testing. Allele origin: germline.
Comment: The SLC19A3 c.680G>A variant is predicted to result in the amino acid substitution p.Gly227Asp. To our knowledge, this variant has not been reported in the literature. This variant is reported in 0.040% of alleles in individuals of African descent in gnomAD. At this time, the clinical significance of this variant is uncertain due to the absence of conclusive functional and genetic evidence.

Labcorp Genetics (formerly Invitae), Labcorp
Classification: Uncertain significance for Biotin-responsive basal ganglia disease. Last evaluated: 2022-08-22. Review status: criteria provided, single submitter. Criteria: Invitae Variant Classification Sherloc (09022015). Collection method: clinical testing. Allele origin: germline.
Comment: This sequence change replaces glycine, which is neutral and non-polar, with aspartic acid, which is acidic and polar, at codon 227 of the SLC19A3 protein (p.Gly227Asp). The frequency data for this variant in the population databases is considered unreliable, as metrics indicate poor data quality at this position in the gnomAD database. This variant has not been reported in the literature in individuals affected with SLC19A3-related conditions. ClinVar contains an entry for this variant (Variation ID: 844065). Advanced modeling of protein sequence and biophysical properties (such as structural, functional, and spatial information, amino acid conservation, physicochemical variation, residue mobility, and thermodynamic stability) performed at Invitae indicates that this missense variant is not expected to disrupt SLC19A3 protein function. In summary, the available evidence is currently insufficient to determine the role of this variant in disease. Therefore, it has been classified as a Variant of Uncertain Significance.